The following is an entry in ClinVar:

NM_006514.4(SCN10A):c.5186C>A (p.Thr1729Lys)

Gene: SCN10A (sodium voltage-gated channel alpha subunit 10; minus strand). Cytogenetic location: 3p22.2.
Variant type: single nucleotide variant.
Coding change: c.5186C>A on transcript NM_006514.4 (MANE Select); coding-DNA position 5186, C replaced by A.
Protein change: p.Thr1729Lys; replaces threonine 1729 with lysine.
Molecular consequence: missense variant.
Genome position (GRCh38, 1-based): chr3:38,698,034, G>T on the plus strand (C>A on the coding strand, the complement: SCN10A is on the minus strand). VCF-style: chr3-38698034-G-T. GRCh37 (hg19) VCF-style: chr3-38739525-G-T.
Other names: c.5183C>A, p.Thr1728Lys (NM_001293306.2); c.4892C>A, p.Thr1631Lys (NM_001293307.2); short protein forms T1631K, T1728K, T1729K.
Identifiers: ClinVar variation 2045713 (VCV002045713.4), dbSNP rs751384151, ClinGen allele CA352154320.

ClinVar aggregate classification (germline): Uncertain significance (1 of 4 stars; one submission).

Conditions:
Brugada syndrome. Also called: Sudden Unexplained Death Syndrome; Sudden Unexplained Nocturnal Death Syndrome (SUNDS); Sudden unexpected nocturnal death syndrome; Sudden unexplained nocturnal death syndrome. Identifiers: Orphanet 130, MedGen C1142166, MONDO:0015263.

gnomAD v4.1: 7 of 1,614,124 alleles (0.00043%); highest among the groups gnomAD compares: South Asian, 0.0011%; no homozygotes.

Submission:

Labcorp Genetics (formerly Invitae), Labcorp
Classification: Uncertain significance for Brugada syndrome. Last evaluated: 2021-12-17. Review status: criteria provided, single submitter. Criteria: Invitae Variant Classification Sherloc (09022015). Collection method: clinical testing. Allele origin: germline.
Comment: This sequence change replaces threonine, which is neutral and polar, with lysine, which is basic and polar, at codon 1729 of the SCN10A protein (p.Thr1729Lys). This variant is not present in population databases (gnomAD no frequency). This variant has not been reported in the literature in individuals affected with SCN10A-related conditions. Advanced modeling of protein sequence and biophysical properties (such as structural, functional, and spatial information, amino acid conservation, physicochemical variation, residue mobility, and thermodynamic stability) performed at Invitae indicates that this missense variant is expected to disrupt SCN10A protein function. In summary, the available evidence is currently insufficient to determine the role of this variant in disease. Therefore, it has been classified as a Variant of Uncertain Significance.